The following is an entry in ClinVar:

ClinVar aggregate classification (germline): Uncertain significance (1 of 4 stars; one submission).

Conditions:
Inborn genetic diseases. Identifiers: MedGen C0950123, MeSH D030342.

Submission:

Ambry Genetics
Classification: Uncertain significance for Inborn genetic diseases. Last evaluated: 2025-10-08. Review status: criteria provided, single submitter. Criteria: Ambry Variant Classification Scheme 2023. Collection method: clinical testing. Allele origin: germline.
Comment: The p.Q203R variant (also known as c.608A>G), located in coding exon 6 of the AKT1 gene, results from an A to G substitution at nucleotide position 608. The glutamine at codon 203 is replaced by arginine, an amino acid with highly similar properties. This amino acid position is conserved. In addition, the in silico prediction for this alteration is inconclusive. Based on the available evidence, the clinical significance of this variant remains unclear.

NM_001382430.1(AKT1):c.608A>G (p.Gln203Arg)

Gene: AKT1 (AKT serine/threonine kinase 1; minus strand). Cytogenetic location: 14q32.33.
Variant type: single nucleotide variant.
Coding change: c.608A>G on transcript NM_001382430.1 (MANE Select); coding-DNA position 608, A replaced by G.
Protein change: p.Gln203Arg; replaces glutamine 203 with arginine.
Molecular consequence: missense variant.
Genome position (GRCh38, 1-based): chr14:104,774,963, T>C on the plus strand (A>G on the coding strand, the complement: AKT1 is on the minus strand). VCF-style: chr14-104774963-T-C. GRCh37 (hg19) VCF-style: chr14-105241300-T-C.
Other names: c.608A>G, p.Gln203Arg (NM_001014431.2, NM_001014432.2, NM_001382431.1 and 3 more transcripts); short protein forms Q203R.
Identifiers: ClinVar variation 4573973 (VCV004573973.1).